The following is an entry in ClinVar:

NM_001267550.2(TTN):c.103996C>G (p.Pro34666Ala)

Genes: TTN (titin; minus strand), TTN-AS1 (TTN antisense RNA 1; plus strand). Cytogenetic location: 2q31.2.
Variant type: single nucleotide variant.
Coding change: c.103996C>G on transcript NM_001267550.2 (MANE Select); coding-DNA position 103996, C replaced by G.
Protein change: p.Pro34666Ala; replaces proline 34666 with alanine.
Molecular consequence: missense variant.
Genome position (GRCh38, 1-based): chr2:178,532,619, G>C on the plus strand (C>G on the coding strand, the complement: TTN is on the minus strand). VCF-style: chr2-178532619-G-C. GRCh37 (hg19) VCF-style: chr2-179397346-G-C.
Other names: c.99073C>G, p.Pro33025Ala (NM_001256850.1); c.76801C>G, p.Pro25601Ala (NM_003319.4); c.96292C>G, p.Pro32098Ala (NM_133378.4); c.77176C>G, p.Pro25726Ala (NM_133432.3); c.77377C>G, p.Pro25793Ala (NM_133437.4); short protein forms P25601A, P25726A, P25793A, P32098A, P33025A, P34666A.
Identifiers: ClinVar variation 1208640 (VCV001208640.9), dbSNP rs201240519, ClinGen allele CA1985505.

ClinVar aggregate classification (germline): Conflicting classifications of pathogenicity. Review status: criteria provided, conflicting classifications (1 of 4 stars). 4 submissions from 4 submitters: Uncertain significance (3); Likely benign (1). Last evaluated 2025-07-08.

Conditions:
TTN-related disorder. Also called: TTN-related disorders; TTN-related condition; TTN-related disease.

Allele frequency attached by ClinVar (database versions not stated): gnomAD 0.00002; gnomAD exomes 0.00003 and 0.00004; ExAC 0.00006.
gnomAD v4.1: 63 of 1,613,822 alleles (0.0039%); highest among the groups gnomAD compares: Middle Eastern, 0.033%; no homozygotes.

Submissions (4):

PreventionGenetics, part of Exact Sciences
Classification: Uncertain significance for TTN-related condition. Last evaluated: 2025-07-08. Review status: criteria provided, single submitter. Criteria: ACMG Guidelines, 2015. Collection method: clinical testing. Allele origin: germline.
Comment: The TTN c.103996C>G variant is predicted to result in the amino acid substitution p.Pro34666Ala. To our knowledge, this variant has not been reported in individuals with TTN-related disorders in the literature. This variant is reported in 0.0053% of alleles in individuals of European (Non-Finnish) descent in gnomAD. At this time, the clinical significance of this variant is uncertain due to the absence of conclusive functional and genetic evidence.

Revvity Omics, Revvity
Classification: Uncertain significance. Last evaluated: 2025-04-16. Review status: criteria provided, single submitter. Criteria: ACMG Guidelines, 2015. Collection method: clinical testing. Allele origin: germline.

Women's Health and Genetics/Laboratory Corporation of America, LabCorp
Classification: Uncertain significance. Last evaluated: 2023-05-08. Review status: criteria provided, single submitter. Criteria: LabCorp Variant Classification Summary - May 2015. Collection method: clinical testing. Allele origin: germline.
Comment: Variant summary: TTN c.96292C>G (p.Pro32098Ala) results in a non-conservative amino acid change located in the M-band region of the encoded protein sequence. Two of five in-silico tools predict a benign effect of the variant on protein function. The variant allele was found at a frequency of 2.8e-05 in 249082 control chromosomes. The available data on variant occurrences in the general population are insufficient to allow any conclusion about variant significance. To our knowledge, no occurrence of c.96292C>G in individuals affected with Dilated Cardiomyopathy and no experimental evidence demonstrating its impact on protein function have been reported. Two clinical diagnostic laboratories have submitted clinical-significance assessments for this variant to ClinVar after 2014 without evidence for independent evaluation, classifying the variant as likely benign (n=1) or uncertain significance (n=1). Based on the evidence outlined above, the variant was classified as VUS-possibly benign.

GeneDx
Classification: Likely benign. Last evaluated: 2019-11-01. Review status: criteria provided, single submitter. Criteria: GeneDx Variant Classification Process June 2021. Collection method: clinical testing. Allele origin: germline. Affected: yes.

Literature cited by the submitters: PubMed 23861362 (cited by Women's Health and Genetics/Laboratory Corporation of America, LabCorp).